The following is an entry in ClinVar:

NM_020184.4(CNNM4):c.1556G>A (p.Arg519Gln)

Gene: CNNM4 (cyclin and CBS domain divalent metal cation transport mediator 4; plus strand). Cytogenetic location: 2q11.2.
Variant type: single nucleotide variant.
Coding change: c.1556G>A on transcript NM_020184.4 (MANE Select); coding-DNA position 1556, G replaced by A.
Protein change: p.Arg519Gln; replaces arginine 519 with glutamine.
Molecular consequence: missense variant.
Genome position (GRCh38, 1-based): chr2:96,797,522, G>A. VCF-style: chr2-96797522-G-A. GRCh37 (hg19) VCF-style: chr2-97463259-G-A.
Other names: short protein forms R519Q.
Identifiers: ClinVar variation 1502960 (VCV001502960.6), dbSNP rs764314767, ClinGen allele CA1783400.

ClinVar aggregate classification (germline): Uncertain significance (1 of 4 stars; one submission).

Allele frequency attached by ClinVar (database versions not stated): gnomAD exomes below 0.00001 and 0.00001; ExAC 0.00001; TOPMed 0.00002; gnomAD 0.00003.
gnomAD v4.1: 27 of 1,614,016 alleles (0.0017%); highest among the groups gnomAD compares: South Asian, 0.0055%; no homozygotes.

Submission:

Labcorp Genetics (formerly Invitae), Labcorp
Classification: Uncertain significance. Last evaluated: 2021-08-23. Review status: criteria provided, single submitter. Criteria: Invitae Variant Classification Sherloc (09022015). Collection method: clinical testing. Allele origin: germline.
Comment: This sequence change replaces arginine with glutamine at codon 519 of the CNNM4 protein (p.Arg519Gln). The arginine residue is highly conserved and there is a small physicochemical difference between arginine and glutamine. This variant is present in population databases (rs764314767, ExAC 0.006%). This variant has not been reported in the literature in individuals with CNNM4-related conditions. Algorithms developed to predict the effect of missense changes on protein structure and function are either unavailable or do not agree on the potential impact of this missense change (SIFT: "Tolerated"; PolyPhen-2: "Possibly Damaging"; Align-GVGD: "Class C0"). In summary, the available evidence is currently insufficient to determine the role of this variant in disease. Therefore, it has been classified as a Variant of Uncertain Significance.